The following is an entry in ClinVar:

NM_001376.5(DYNC1H1):c.11824C>T (p.Pro3942Ser)

Gene: DYNC1H1 (dynein cytoplasmic 1 heavy chain 1; plus strand). Cytogenetic location: 14q32.31.
Variant type: single nucleotide variant.
Coding change: c.11824C>T on transcript NM_001376.5 (MANE Select); coding-DNA position 11824, C replaced by T.
Protein change: p.Pro3942Ser; replaces proline 3942 with serine.
Molecular consequence: missense variant.
Genome position (GRCh38, 1-based): chr14:102,040,369, C>T. VCF-style: chr14-102040369-C-T. GRCh37 (hg19) VCF-style: chr14-102506706-C-T.
Other names: short protein forms P3942S.
Identifiers: ClinVar variation 803051 (VCV000803051.6), dbSNP rs1006593304, ClinGen allele CA266977208.

ClinVar aggregate classification (germline): Uncertain significance. Review status: criteria provided, multiple submitters, no conflicts (2 of 4 stars). 2 submissions from 2 submitters: Uncertain significance (2). Last evaluated 2021-09-25.

Conditions:
Charcot-Marie-Tooth disease axonal type 2O. Also called: CHARCOT-MARIE-TOOTH NEUROPATHY, AXONAL, TYPE 2O; CHARCOT-MARIE-TOOTH DISEASE, AXONAL, AUTOSOMAL DOMINANT, TYPE 2O; Charcot-Marie-Tooth disease, axonal, type 20; Charcot-Marie-Tooth Neuropathy Type 2O. Identifiers: Orphanet 284232, MedGen C3280220, MONDO:0013644, OMIM 614228.

Allele frequency attached by ClinVar (database versions not stated): TOPMed below 0.00001; gnomAD 0.00001; gnomAD exomes 0.00003.
gnomAD v4.1: 44 of 1,614,034 alleles (0.0027%); highest among the groups gnomAD compares: East Asian, 0.098%; 1 homozygote.

Submissions (2):

Labcorp Genetics (formerly Invitae), Labcorp
Classification: Uncertain significance for Charcot-Marie-Tooth disease axonal type 2O. Last evaluated: 2021-09-25. Review status: criteria provided, single submitter. Criteria: Invitae Variant Classification Sherloc (09022015). Collection method: clinical testing. Allele origin: germline.
Comment: ClinVar contains an entry for this variant (Variation ID: 803051). This missense change has been observed in individual(s) with intellectual disability and microcephaly with pontine and cerebellar hypoplasia (PMID: 28783747). This variant is not present in population databases (ExAC no frequency). This sequence change replaces proline with serine at codon 3942 of the DYNC1H1 protein (p.Pro3942Ser). The proline residue is highly conserved and there is a moderate physicochemical difference between proline and serine. Advanced modeling of protein sequence and biophysical properties (such as structural, functional, and spatial information, amino acid conservation, physicochemical variation, residue mobility, and thermodynamic stability) performed at Invitae indicates that this missense variant is not expected to disrupt DYNC1H1 protein function. In summary, the available evidence is currently insufficient to determine the role of this variant in disease. Therefore, it has been classified as a Variant of Uncertain Significance.

Mendelics
Classification: Uncertain significance for Charcot-Marie-Tooth disease axonal type 2O. Last evaluated: 2019-05-28. Review status: criteria provided, single submitter. Criteria: Mendelics Assertion Criteria 2017. Collection method: clinical testing. Allele origin: unknown.

Literature cited by the submitters: PubMed 28783747 (cited by Labcorp Genetics (formerly Invitae), Labcorp).